The following is an entry in ClinVar:

ClinVar aggregate classification (germline): Uncertain significance (1 of 4 stars; one submission).

Conditions:
Meckel syndrome, type 11 (MKS11). Identifiers: Orphanet 564, MedGen C3809352, MONDO:0014164, OMIM 615397.
Joubert syndrome 20 (JBTS20). Identifiers: Orphanet 475, MedGen C3554235, MONDO:0013994, OMIM 614970.

gnomAD v4.1: 1 of 1,613,720 alleles (0.000062%); highest among the groups gnomAD compares: Non-Finnish European, 0.000085%; no homozygotes.

Submission:

Labcorp Genetics (formerly Invitae), Labcorp
Classification: Uncertain significance for Joubert syndrome 20; Meckel syndrome, type 11. Last evaluated: 2022-02-10. Review status: criteria provided, single submitter. Criteria: Invitae Variant Classification Sherloc (09022015). Collection method: clinical testing. Allele origin: germline.
Comment: In summary, the available evidence is currently insufficient to determine the role of this variant in disease. Therefore, it has been classified as a Variant of Uncertain Significance. Variants that disrupt the consensus splice site are a relatively common cause of aberrant splicing (PMID: 17576681, 9536098). Algorithms developed to predict the effect of sequence changes on RNA splicing suggest that this variant may disrupt the consensus splice site. This variant has not been reported in the literature in individuals affected with TMEM231-related conditions. This variant is not present in population databases (gnomAD no frequency). This sequence change falls in intron 3 of the TMEM231 gene. It does not directly change the encoded amino acid sequence of the TMEM231 protein. It affects a nucleotide within the consensus splice site.

Literature cited by the submitters: PubMed 17576681; PubMed 9536098.

NM_001077418.3(TMEM231):c.583-3C>G

Gene: TMEM231 (transmembrane protein 231; minus strand). Cytogenetic location: 16q23.1.
Variant type: single nucleotide variant.
Coding change: c.583-3C>G on transcript NM_001077418.3 (MANE Select); 3 bases into the intron before coding-DNA position 583, C replaced by G.
Molecular consequence: intron variant.
Genome position (GRCh38, 1-based): chr16:75,542,686, G>C on the plus strand (C>G on the coding strand, the complement: TMEM231 is on the minus strand). VCF-style: chr16-75542686-G-C. GRCh37 (hg19) VCF-style: chr16-75576584-G-C.
Other names: c.742-3C>G (NM_001077416.2).
Identifiers: ClinVar variation 2089582 (VCV002089582.4), dbSNP rs2507323997, ClinGen allele CA2580092012.
Genomic context (GRCh38, chr16:75,542,686, plus strand): 5'-CAATATGGGTGAGGTCGTAGTCATAGGCAAAGGGGCTGGTCCCGTTGATCACGGATATCT[G>C]GGACACGGGAGGAGGATGTGGTGTGAGCACCTGGGAGACTCCTCCCCTTTTCCTTCTACC-3'